The following is an entry in ClinVar:

ClinVar aggregate classification (germline): Likely benign (1 of 4 stars; one submission).

Submission:

CeGaT Center for Human Genetics Tuebingen
Classification: Likely benign. Last evaluated: 2024-03-01. Review status: criteria provided, single submitter. Criteria: CeGaT Center For Human Genetics Tuebingen Variant Classification Criteria Version 2. Collection method: clinical testing. Allele origin: germline. Affected: yes. Observed: 2 variant alleles.
Comment: KMT2D: BP4, BP7

NM_003482.4(KMT2D):c.13932A>C (p.Pro4644=)

Gene: KMT2D (lysine methyltransferase 2D; minus strand). Cytogenetic location: 12q13.12.
Variant type: single nucleotide variant.
Coding change: c.13932A>C on transcript NM_003482.4 (MANE Select); coding-DNA position 13932, A replaced by C.
Protein change: p.Pro4644=; no amino-acid change (proline 4644 retained).
Molecular consequence: synonymous variant.
Genome position (GRCh38, 1-based): chr12:49,030,347, T>G on the plus strand (A>C on the coding strand, the complement: KMT2D is on the minus strand). VCF-style: chr12-49030347-T-G. GRCh37 (hg19) VCF-style: chr12-49424130-T-G.
Identifiers: ClinVar variation 2642935 (VCV002642935.24), dbSNP rs1287194328, ClinGen allele CA479524157.